The following is an entry in ClinVar:

ClinVar aggregate classification (germline): Likely pathogenic (1 of 4 stars; one submission).

Conditions:
Primary ciliary dyskinesia. Also called: Ciliary dyskinesia. Identifiers: Orphanet 244, MedGen C0008780, MONDO:0016575, HP:0012265.

Submission:

Natera, Inc.
Classification: Likely pathogenic for Primary ciliary dyskinesia. Last evaluated: 2024-12-29. Review status: criteria provided, single submitter. Criteria: Natera Variant Classification Schema (03/2026). Collection method: clinical testing. Allele origin: germline.
Comment: The c.1126dup variant in DNAI2 is a frameshift variant predicted to shift the reading frame beginning at codon 376 and leads to a stop codon 18 codons downstream. This variant is expected to result in nonsense mediated decay, truncation, or a dysfunctional protein product. This variant is rare in the general population with a frequency below the threshold expected for the associated phenotype(s). Given the available evidence, this variant is classified as Likely Pathogenic.

NM_023036.6(DNAI2):c.1126dup (p.Tyr376fs)

Gene: DNAI2 (dynein axonemal intermediate chain 2; plus strand). Cytogenetic location: 17q25.1.
Variant type: Duplication.
Coding change: c.1126dup on transcript NM_023036.6 (MANE Select); coding-DNA position 1126, one base duplicated (T; older notation c.1126dupT).
Protein change: p.Tyr376fs; shifts the reading frame from tyrosine 376.
Molecular consequence: frameshift variant. On other transcripts: non-coding transcript variant (1).
Genome position (GRCh38, 1-based): chr17:74,305,357, T duplicated. VCF-style (leftmost placement, unchanged base first): chr17-74305356-C-CT. GRCh37 (hg19) VCF-style: chr17-72301495-C-CT.
Other names: c.1126dup, p.Tyr376fs (NM_001172810.3, NM_001353167.2); short protein forms Y376fs.
Identifiers: ClinVar variation 4816111 (VCV004816111.1).